The following is an entry in ClinVar:

ClinVar aggregate classification (germline): Likely pathogenic (1 of 4 stars; one submission).

Conditions:
Intellectual disability, autosomal dominant 14 (CSS2). Also called: COFFIN-SIRIS SYNDROME 2. Identifiers: Orphanet 1465, MedGen C3553247, MONDO:0013819, OMIM 614607.

Submission:

Department of Human Genetics, Hannover Medical School
Classification: Likely pathogenic for Intellectual disability, autosomal dominant 14. Last evaluated: 2026-04-08. Review status: criteria provided, single submitter. Criteria: ACMG Guidelines, 2015. Collection method: clinical testing. Allele origin: de novo. Inheritance: Autosomal dominant inheritance. Affected: yes. Observed: 1 variant allele, 1 heterozygote.
Comment: PM2_supporting, PS2_moderate, PS3_strong: PM2_supporting: Not listed in GnomAD PS2_moderate: de novo (Phenotype consistent with gene but not highly specific, parental relationship confirmed) PS3_strong: (functional evidence supporting pathogenicity e.g. RT-PCR and RNAseq showing pseudoexon inclusion and methylome analysis showing BAFopathy episignature) 7 points (PMID: 32720330)

Literature cited by the submitters: PubMed 32720330.

NC_000001.10:g.27062859_27086916del

Gene: ARID1A (AT-rich interaction domain 1A; plus strand). Cytogenetic location: 1p36.11.
Variant type: Deletion.
Identifiers: ClinVar variation 4845657 (VCV004845657.1).